The following is an entry in ClinVar:

ClinVar aggregate classification (germline): Uncertain significance (1 of 4 stars; one submission).

Conditions:
Symmetrical dyschromatosis of extremities (DSH). Also called: DYSCHROMATOSIS SYMMETRICA HEREDITARIA 1; RETICULATE ACROPIGMENTATION OF DOHI; SYMMETRIC DYSCHROMATOSIS OF THE EXTREMITIES; Dyschromatosis symmetrica hereditaria. Identifiers: Orphanet 41, MedGen C0406775, MONDO:0007483, OMIM 127400.
Aicardi-Goutieres syndrome 6 (AGS6). Identifiers: Orphanet 51, MedGen C3539013, MONDO:0014007, OMIM 615010.

Submission:

Labcorp Genetics (formerly Invitae), Labcorp
Classification: Uncertain significance for Aicardi-Goutieres syndrome 6; Symmetrical dyschromatosis of extremities. Last evaluated: 2026-01-21. Review status: criteria provided, single submitter. Criteria: Invitae Variant Classification Sherloc (09022015). Collection method: clinical testing. Allele origin: germline.
Comment: This sequence change replaces lysine, which is basic and polar, with arginine, which is basic and polar, at codon 184 of the ADAR protein (p.Lys184Arg). This variant is not present in population databases (gnomAD no frequency). This variant has not been reported in the literature in individuals affected with ADAR-related conditions. An algorithm developed to predict the effect of missense changes on protein structure and function outputs the following: PolyPhen-2: "Benign". The arginine amino acid residue is found in multiple mammalian species, which suggests that this missense change does not adversely affect protein function. In summary, the available evidence is currently insufficient to determine the role of this variant in disease. Therefore, it has been classified as a Variant of Uncertain Significance.

NM_001111.5(ADAR):c.551A>G (p.Lys184Arg)

Gene: ADAR (adenosine deaminase RNA specific; minus strand). Cytogenetic location: 1q21.3.
Variant type: single nucleotide variant.
Coding change: c.551A>G on transcript NM_001111.5 (MANE Select); coding-DNA position 551, A replaced by G.
Protein change: p.Lys184Arg; replaces lysine 184 with arginine.
Molecular consequence: missense variant. On other transcripts: 5 prime UTR variant (6).
Genome position (GRCh38, 1-based): chr1:154,602,091, T>C on the plus strand (A>G on the coding strand, the complement: ADAR is on the minus strand). VCF-style: chr1-154602091-T-C. GRCh37 (hg19) VCF-style: chr1-154574567-T-C.
Other names: c.-335A>G (NM_001025107.3, NM_001193495.2, NM_001365046.1 and 3 more transcripts); c.578A>G, p.Lys193Arg (NM_001365045.1); c.551A>G, p.Lys184Arg (NM_015840.4, NM_015841.4); short protein forms K193R, K184R.
Identifiers: ClinVar variation 4793170 (VCV004793170.1).